The following is an entry in ClinVar:

NM_002972.4(SBF1):c.9G>A (p.Arg3=)

Gene: SBF1 (SET binding factor 1; minus strand). Cytogenetic location: 22q13.33.
Variant type: single nucleotide variant.
Coding change: c.9G>A on transcript NM_002972.4 (MANE Select); coding-DNA position 9, G replaced by A.
Protein change: p.Arg3=; no amino-acid change (arginine 3 retained).
Molecular consequence: synonymous variant.
Genome position (GRCh38, 1-based): chr22:50,474,832, C>T on the plus strand (G>A on the coding strand, the complement: SBF1 is on the minus strand). VCF-style: chr22-50474832-C-T. GRCh37 (hg19) VCF-style: chr22-50913261-C-T.
Other names: c.9G>A, p.Arg3= (NM_001365819.1, NM_001410794.1, NM_001410795.1 and 1 more transcripts).
Identifiers: ClinVar variation 1897396 (VCV001897396.7), dbSNP rs1022428202, ClinGen allele CA325540551.
Genomic context (GRCh38, chr22:50,474,832, plus strand): 5'-GCCTCGGCACTCACCGCGCGGGTGCGGCCCGAACGCCACCAGCACGAAGTAGTCCGCGAG[C>T]CGCGCCATGGCGAGGGACGCGGGGCGGCCCGAGGGGCGCGGGCGGGCTCCGCGGCTCGGG-3'
Protein context (NP_002963.2, residues 1-13): MA[Arg3=]LADYFVLVAF

ClinVar aggregate classification (germline): Likely benign. Review status: criteria provided, multiple submitters, no conflicts (2 of 4 stars). 2 submissions from 2 submitters: Likely benign (2). Last evaluated 2026-04-01.

Allele frequency attached by ClinVar (database versions not stated): TOPMed 0.00006; gnomAD 0.00007; gnomAD exomes 0.00008.
gnomAD v4.1: 109 of 1,437,718 alleles (0.0076%); highest among the groups gnomAD compares: Non-Finnish European, 0.0094%; no homozygotes.

Submissions (2):

CeGaT Center for Human Genetics Tuebingen
Classification: Likely benign. Last evaluated: 2026-04-01. Review status: criteria provided, single submitter. Criteria: CeGaT Center For Human Genetics Tuebingen Variant Classification Criteria Version 2. Collection method: clinical testing. Allele origin: germline. Affected: yes. Observed: 1 variant allele.
Comment: SBF1: BP4, BP7

Labcorp Genetics (formerly Invitae), Labcorp
Classification: Likely benign. Last evaluated: 2024-05-15. Review status: criteria provided, single submitter. Criteria: Invitae Variant Classification Sherloc (09022015). Collection method: clinical testing. Allele origin: germline.